The following is an entry in ClinVar:

ClinVar aggregate classification (germline): Uncertain significance. Review status: criteria provided, multiple submitters, no conflicts (2 of 4 stars). 2 submissions from 2 submitters: Uncertain significance (2). Last evaluated 2026-01-06.

Conditions:
Cardiovascular phenotype. Identifiers: MedGen CN230736.

gnomAD v4.1: 6 of 1,614,000 alleles (0.00037%); highest among the groups gnomAD compares: African/African-American, 0.0053%; no homozygotes.

Submissions (2):

Labcorp Genetics (formerly Invitae), Labcorp
Classification: Uncertain significance. Last evaluated: 2026-01-06. Review status: criteria provided, single submitter. Criteria: Invitae Variant Classification Sherloc (09022015). Collection method: clinical testing. Allele origin: germline.
Comment: This sequence change replaces arginine, which is basic and polar, with glutamine, which is neutral and polar, at codon 597 of the ABCG8 protein (p.Arg597Gln). This variant is present in population databases (rs759641209, gnomAD 0.01%). This missense change has been observed in individual(s) with sitosterolemia (internal data). ClinVar contains an entry for this variant (Variation ID: 3312599). Invitae Evidence Modeling of protein sequence and biophysical properties (such as structural, functional, and spatial information, amino acid conservation, physicochemical variation, residue mobility, and thermodynamic stability) indicates that this missense variant is not expected to disrupt ABCG8 protein function with a negative predictive value of 80%. In summary, the available evidence is currently insufficient to determine the role of this variant in disease. Therefore, it has been classified as a Variant of Uncertain Significance.

Ambry Genetics
Classification: Uncertain significance for Cardiovascular phenotype. Last evaluated: 2024-03-21. Review status: criteria provided, single submitter. Criteria: Ambry Variant Classification Scheme 2023. Collection method: clinical testing. Allele origin: germline.
Comment: The p.R597Q variant (also known as c.1790G>A), located in coding exon 12 of the ABCG8 gene, results from a G to A substitution at nucleotide position 1790. The arginine at codon 597 is replaced by glutamine, an amino acid with highly similar properties. This amino acid position is conserved. In addition, this alteration is predicted to be deleterious by in silico analysis. Based on the available evidence, the clinical significance of this alteration remains unclear.

NM_022437.3(ABCG8):c.1790G>A (p.Arg597Gln)

Gene: ABCG8 (ATP binding cassette subfamily G member 8; plus strand). Cytogenetic location: 2p21.
Variant type: single nucleotide variant.
Coding change: c.1790G>A on transcript NM_022437.3 (MANE Select); coding-DNA position 1790, G replaced by A.
Protein change: p.Arg597Gln; replaces arginine 597 with glutamine.
Molecular consequence: missense variant.
Genome position (GRCh38, 1-based): chr2:43,877,594, G>A. VCF-style: chr2-43877594-G-A. GRCh37 (hg19) VCF-style: chr2-44104733-G-A.
Other names: c.1787G>A, p.Arg596Gln (NM_001357321.2); short protein forms R596Q, R597Q.
Identifiers: ClinVar variation 3312599 (VCV003312599.2).